The following is an entry in ClinVar:

ClinVar aggregate classification (germline): Likely benign. Review status: criteria provided, multiple submitters, no conflicts (2 of 4 stars). 2 submissions from 2 submitters: Likely benign (2). Last evaluated 2025-04-19.

Conditions:
CNGB1-related disorder. Also called: CNGB1-related condition.

gnomAD v4.1: 21 of 1,613,802 alleles (0.0013%); highest among the groups gnomAD compares: Non-Finnish European, 0.0015%; no homozygotes.

Submissions (2):

PreventionGenetics, part of Exact Sciences
Classification: Likely benign for CNGB1-related condition. Last evaluated: 2025-04-19. Review status: criteria provided, single submitter. Criteria: ACMG Guidelines, 2015. Collection method: clinical testing. Allele origin: germline.
Comment: This variant is classified as likely benign based on ACMG/AMP sequence variant interpretation guidelines (Richards et al. 2015 PMID: 25741868, with internal and published modifications).

Labcorp Genetics (formerly Invitae), Labcorp
Classification: Likely benign. Last evaluated: 2022-11-07. Review status: criteria provided, single submitter. Criteria: Invitae Variant Classification Sherloc (09022015). Collection method: clinical testing. Allele origin: germline.

NM_001297.5(CNGB1):c.417C>T (p.Cys139=)

Gene: CNGB1 (cyclic nucleotide gated channel subunit beta 1; minus strand). Cytogenetic location: 16q21.
Variant type: single nucleotide variant.
Coding change: c.417C>T on transcript NM_001297.5 (MANE Select); coding-DNA position 417, C replaced by T.
Protein change: p.Cys139=; no amino-acid change (cysteine 139 retained).
Molecular consequence: synonymous variant.
Genome position (GRCh38, 1-based): chr16:57,962,606, G>A on the plus strand (C>T on the coding strand, the complement: CNGB1 is on the minus strand). VCF-style: chr16-57962606-G-A. GRCh37 (hg19) VCF-style: chr16-57996510-G-A.
Other names: c.417C>T, p.Cys139= (NM_001135639.2, NM_001286130.2); c.417C>T (NM_001297.4).
Identifiers: ClinVar variation 1553149 (VCV001553149.9), dbSNP rs1346391067, ClinGen allele CA495650462.